The following is an entry in ClinVar:

ClinVar aggregate classification (germline): Likely pathogenic (1 of 4 stars; one submission).

Conditions:
Lymphoproliferative syndrome 2 (LPFS2). Also called: Combined immunodeficiency due to CD27 deficiency; CD27 DEFICIENCY. Identifiers: Orphanet 238505, MedGen C3554540, MONDO:0014054, OMIM 615122.

gnomAD v4.1: 3 of 1,611,220 alleles (0.00019%); highest among the groups gnomAD compares: Non-Finnish European, 0.00025%; no homozygotes.

Submission:

Labcorp Genetics (formerly Invitae), Labcorp
Classification: Likely pathogenic for Lymphoproliferative syndrome 2. Last evaluated: 2025-11-03. Review status: criteria provided, single submitter. Criteria: Invitae Variant Classification Sherloc (09022015). Collection method: clinical testing. Allele origin: germline.
Comment: This sequence change affects a donor splice site in intron 4 of the CD27 gene. It is expected to disrupt RNA splicing. Variants that disrupt the donor or acceptor splice site typically lead to a loss of protein function (PMID: 16199547), and loss-of-function variants in CD27 are known to be pathogenic (PMID: 25843314). The frequency data for this variant in the population databases is considered unreliable, as metrics indicate poor data quality at this position in the gnomAD database. This variant has not been reported in the literature in individuals affected with CD27-related conditions. Algorithms developed to predict the effect of sequence changes on RNA splicing suggest that this variant may disrupt the consensus splice site. In summary, the currently available evidence indicates that the variant is pathogenic, but additional data are needed to prove that conclusively. Therefore, this variant has been classified as Likely Pathogenic.

Literature cited by the submitters: PubMed 16199547; PubMed 25843314.

NM_001242.5(CD27):c.538+1G>A

Genes: CD27 (CD27 molecule; plus strand), CD27-AS1 (CD27 antisense RNA 1; minus strand). Cytogenetic location: 12p13.31.
Variant type: single nucleotide variant.
Coding change: c.538+1G>A on transcript NM_001242.5 (MANE Select); the canonical splice donor site of the intron after coding-DNA position 538, G replaced by A.
Molecular consequence: splice donor variant. On other transcripts: non-coding transcript variant (1).
Genome position (GRCh38, 1-based): chr12:6,450,631, G>A. VCF-style: chr12-6450631-G-A. GRCh37 (hg19) VCF-style: chr12-6559797-G-A.
Other names: c.88+1G>A (NM_001413267.1, NM_001413266.1, NM_001413268.1); c.631+1G>A (NM_001413263.1); c.358+1G>A (NM_001413265.1); c.511+1G>A (NM_001413264.1).
Identifiers: ClinVar variation 4770039 (VCV004770039.1).